The following is an entry in ClinVar:

ClinVar aggregate classification (germline): Benign/Likely benign. Review status: criteria provided, multiple submitters, no conflicts (2 of 4 stars). 5 submissions from 5 submitters: Benign (1); Likely benign (4). Last evaluated 2025-04-22.

Conditions:
Hereditary cancer-predisposing syndrome. Also called: Neoplastic Syndromes, Hereditary; Tumor predisposition; Hereditary Cancer Syndrome; Hereditary neoplastic syndrome. Identifiers: Orphanet 140162, MedGen C0027672, MeSH D009386, MONDO:0015356.
Familial cancer of breast. Also called: BREAST CANCER, FAMILIAL; Hereditary breast cancer; hereditary breast carcinoma. Identifiers: Orphanet 227535, MedGen C0346153, MONDO:0016419, OMIM 114480. Disease mechanism: loss of function.

Allele frequency attached by ClinVar (database versions not stated): TOPMed 0.00003.
gnomAD v4.1: 3 of 1,611,454 alleles (0.00019%); highest among the groups gnomAD compares: African/African-American, 0.0027%; no homozygotes.

Submissions (5):

Labcorp Genetics (formerly Invitae), Labcorp
Classification: Likely benign for Familial cancer of breast. Last evaluated: 2025-04-22. Review status: criteria provided, single submitter. Criteria: Invitae Variant Classification Sherloc (09022015). Collection method: clinical testing. Allele origin: germline.

Myriad Genetics, Inc.
Classification: Benign for Familial cancer of breast. Last evaluated: 2024-07-18. Review status: criteria provided, single submitter. Criteria: Myriad Autosomal Dominant, Autosomal Recessive and X-Linked Classification Criteria (2023). Collection method: clinical testing. Allele origin: unknown.
Comment: This variant is considered benign. This variant is a silent/synonymous amino acid change and it is not expected to impact splicing.

Quest Diagnostics Nichols Institute San Juan Capistrano
Classification: Likely benign. Last evaluated: 2019-07-09. Review status: criteria provided, single submitter. Criteria: Quest Diagnostics criteria. Collection method: clinical testing. Allele origin: germline.

Color Diagnostics, LLC DBA Color Health
Classification: Likely benign for Hereditary cancer-predisposing syndrome. Last evaluated: 2018-03-24. Review status: criteria provided, single submitter. Criteria: ACMG Guidelines, 2015. Collection method: clinical testing. Allele origin: germline.

Ambry Genetics
Classification: Likely benign for Hereditary cancer-predisposing syndrome. Last evaluated: 2017-03-24. Review status: criteria provided, single submitter. Criteria: Ambry Variant Classification Scheme 2023. Collection method: clinical testing. Allele origin: germline.

NM_000465.4(BARD1):c.117C>G (p.Ala39=)

Gene: BARD1 (BRCA1 associated RING domain 1; minus strand). Cytogenetic location: 2q35.
Variant type: single nucleotide variant.
Coding change: c.117C>G on transcript NM_000465.4 (MANE Select); coding-DNA position 117, C replaced by G.
Protein change: p.Ala39=; no amino-acid change (alanine 39 retained).
Molecular consequence: synonymous variant. On other transcripts: non-coding transcript variant (3).
Genome position (GRCh38, 1-based): chr2:214,809,453, G>C on the plus strand (C>G on the coding strand, the complement: BARD1 is on the minus strand). VCF-style: chr2-214809453-G-C. GRCh37 (hg19) VCF-style: chr2-215674177-G-C.
Other names: c.117C>G, p.Ala39= (NM_001282545.2, NM_001282548.2, NM_001282549.2 and 1 more transcripts).
Identifiers: ClinVar variation 485321 (VCV000485321.20), dbSNP rs786202271, ClinGen allele CA350464951.